The following is an entry in ClinVar:

ClinVar aggregate classification (germline): Uncertain significance. Review status: criteria provided, multiple submitters, no conflicts (2 of 4 stars). 2 submissions from 2 submitters: Uncertain significance (2). Last evaluated 2025-07-21.

Conditions:
Weaver syndrome (WVS). Also called: Weaver Smith syndrome; Overgrowth syndrome with accelerated skeletal maturation, unusual facies, and camptodactyly. Identifiers: Orphanet 3447, MedGen C0265210, MONDO:0010193, OMIM 277590.

Allele frequency attached by ClinVar (database versions not stated): gnomAD exomes below 0.00001; TOPMed below 0.00001.
gnomAD v4.1: 3 of 1,613,790 alleles (0.00019%); highest among the groups gnomAD compares: Non-Finnish European, 0.00025%; no homozygotes.

Submissions (2):

Labcorp Genetics (formerly Invitae), Labcorp
Classification: Uncertain significance for Weaver syndrome. Last evaluated: 2025-07-21. Review status: criteria provided, single submitter. Criteria: Invitae Variant Classification Sherloc (09022015). Collection method: clinical testing. Allele origin: germline.
Comment: This sequence change replaces arginine, which is basic and polar, with threonine, which is neutral and polar, at codon 196 of the EZH2 protein (p.Arg196Thr). This variant is not present in population databases (gnomAD no frequency). This variant has not been reported in the literature in individuals affected with EZH2-related conditions. ClinVar contains an entry for this variant (Variation ID: 424432). Invitae Evidence Modeling of protein sequence and biophysical properties (such as structural, functional, and spatial information, amino acid conservation, physicochemical variation, residue mobility, and thermodynamic stability) indicates that this missense variant is not expected to disrupt EZH2 protein function with a negative predictive value of 80%. In summary, the available evidence is currently insufficient to determine the role of this variant in disease. Therefore, it has been classified as a Variant of Uncertain Significance.

GeneDx
Classification: Uncertain significance. Last evaluated: 2017-03-23. Review status: criteria provided, single submitter. Criteria: GeneDx Variant Classification (06012015). Collection method: clinical testing. Allele origin: germline. Affected: yes.
Comment: The R196T variant in the EZH2 gene has not been reported previously as a pathogenic variant, nor as a benign variant, to our knowledge. The R196T variant is not observed in large population cohorts (Lek et al., 2016; 1000 Genomes Consortium et al., 2015; Exome Variant Server). The R196T variant is a semi-conservative amino acid substitution, which occurs at a position that is not conserved. In silico analysis is inconsistent in its predictions as to whether or not the variant is damaging to the protein structure/function. We interpret R196T as a variant of uncertain significance

NM_004456.5(EZH2):c.587G>C (p.Arg196Thr)

Gene: EZH2 (enhancer of zeste 2 polycomb repressive complex 2 subunit; minus strand). Cytogenetic location: 7q36.1.
Variant type: single nucleotide variant.
Coding change: c.587G>C on transcript NM_004456.5 (MANE Select); coding-DNA position 587, G replaced by C.
Protein change: p.Arg196Thr; replaces arginine 196 with threonine.
Molecular consequence: missense variant.
Genome position (GRCh38, 1-based): chr7:148,828,778, C>G on the plus strand (G>C on the coding strand, the complement: EZH2 is on the minus strand). VCF-style: chr7-148828778-C-G. GRCh37 (hg19) VCF-style: chr7-148525870-C-G.
Other names: c.587G>C, p.Arg196Thr (NM_001203247.2); c.560G>C, p.Arg187Thr (NM_001203248.2, NM_001203249.2); c.470G>C, p.Arg157Thr (NM_152998.3); short protein forms R196T, R187T, R157T.
Identifiers: ClinVar variation 424432 (VCV000424432.11), dbSNP rs1051056437, ClinGen allele CA16618394.